The following is an entry in ClinVar:

NM_182961.4(SYNE1):c.5184C>T (p.Ser1728=)

Gene: SYNE1 (spectrin repeat containing nuclear envelope protein 1; minus strand). Cytogenetic location: 6q25.2.
Variant type: single nucleotide variant.
Coding change: c.5184C>T on transcript NM_182961.4 (MANE Select); coding-DNA position 5184, C replaced by T.
Protein change: p.Ser1728=; no amino-acid change (serine 1728 retained).
Molecular consequence: synonymous variant.
Genome position (GRCh38, 1-based): chr6:152,425,464, G>A on the plus strand (C>T on the coding strand, the complement: SYNE1 is on the minus strand). VCF-style: chr6-152425464-G-A. GRCh37 (hg19) VCF-style: chr6-152746599-G-A.
Other names: c.5205C>T, p.Ser1735= (NM_033071.5).
Identifiers: ClinVar variation 4682419 (VCV004682419.1).
Genomic context (GRCh38, chr6:152,425,464, plus strand): 5'-ATCTCTCCATCTCTCATCCAACTGCTCCAAATGTAGTTTCATCATTTTCACATCATCTTT[G>A]GAGGCTACTGAGAACAATGATTCCTTCAATTGCAAAAGTTTGCTATAGAATGAGGCCTGG-3'
Protein context (NP_892006.3, residues 1718-1738): QLKESLFSVA[Ser1728=]KDDVKMMKLH

ClinVar aggregate classification (germline): Likely benign (1 of 4 stars; one submission).

Submission:

Athena Diagnostics
Classification: Likely benign. Last evaluated: 2025-10-23. Review status: criteria provided, single submitter. Criteria: Athena Diagnostics Criteria. Collection method: clinical testing. Allele origin: unknown.
Comment: Computational tools yielded predictions that this variant is unlikely to have an effect on normal RNA splicing. This nucleotide position exhibits low evolutionary conservation.